The following is an entry in ClinVar:

ClinVar aggregate classification (germline): Uncertain significance. Review status: criteria provided, multiple submitters, no conflicts (2 of 4 stars). 2 submissions from 2 submitters: Uncertain significance (2). Last evaluated 2024-12-07.

Conditions:
Tuberous sclerosis 1 (TSC1). Identifiers: Orphanet 805, MedGen C1854465, MONDO:0008612, OMIM 191100.
Isolated focal cortical dysplasia type II (FCORD2). Also called: Focal cortical dysplasia type II; CORTICAL DYSPLASIA OF TAYLOR. Identifiers: Orphanet 268994, MedGen C1846385, MONDO:0011818, OMIM 607341, HP:0032051.
Lymphangiomyomatosis (LAM). Also called: Lymphangioleiomyomatosis; Lymphangioleiomyomatosis, somatic. Identifiers: Orphanet 538, MedGen C0751674, MONDO:0011705, OMIM 606690.

gnomAD v4.1: 1 of 1,614,100 alleles (0.000062%); highest among the groups gnomAD compares: Non-Finnish European, 0.000085%; no homozygotes.

Submissions (2):

Labcorp Genetics (formerly Invitae), Labcorp
Classification: Uncertain significance for Tuberous sclerosis 1. Last evaluated: 2024-12-07. Review status: criteria provided, single submitter. Criteria: Invitae Variant Classification Sherloc (09022015). Collection method: clinical testing. Allele origin: germline.
Comment: This sequence change replaces glycine, which is neutral and non-polar, with aspartic acid, which is acidic and polar, at codon 514 of the TSC1 protein (p.Gly514Asp). This variant is not present in population databases (gnomAD no frequency). This variant has not been reported in the literature in individuals affected with TSC1-related conditions. ClinVar contains an entry for this variant (Variation ID: 577435). Invitae Evidence Modeling of protein sequence and biophysical properties (such as structural, functional, and spatial information, amino acid conservation, physicochemical variation, residue mobility, and thermodynamic stability) indicates that this missense variant is not expected to disrupt TSC1 protein function with a negative predictive value of 95%. In summary, the available evidence is currently insufficient to determine the role of this variant in disease. Therefore, it has been classified as a Variant of Uncertain Significance.

Fulgent Genetics
Classification: Uncertain significance for Tuberous sclerosis 1; Lymphangiomyomatosis; Isolated focal cortical dysplasia type II. Last evaluated: 2021-09-30. Review status: criteria provided, single submitter. Criteria: ACMG Guidelines, 2015. Collection method: clinical testing. Allele origin: unknown.

NM_000368.5(TSC1):c.1541G>A (p.Gly514Asp)

Gene: TSC1 (TSC complex subunit 1; minus strand). Cytogenetic location: 9q34.13.
Variant type: single nucleotide variant.
Coding change: c.1541G>A on transcript NM_000368.5 (MANE Select); coding-DNA position 1541, G replaced by A.
Protein change: p.Gly514Asp; replaces glycine 514 with aspartic acid.
Molecular consequence: missense variant.
Genome position (GRCh38, 1-based): chr9:132,906,037, C>T on the plus strand (G>A on the coding strand, the complement: TSC1 is on the minus strand). VCF-style: chr9-132906037-C-T. GRCh37 (hg19) VCF-style: chr9-135781424-C-T.
Other names: c.1538G>A, p.Gly513Asp (NM_001162426.2); c.1388G>A, p.Gly463Asp (NM_001162427.2); c.1178G>A, p.Gly393Asp (NM_001362177.2); short protein forms G514D, G463D, G513D, G393D.
Identifiers: ClinVar variation 577435 (VCV000577435.10), dbSNP rs1564482313, ClinGen allele CA375365170.